The following is an entry in ClinVar:

ClinVar aggregate classification (germline): Pathogenic/Likely pathogenic. Review status: criteria provided, multiple submitters, no conflicts (2 of 4 stars). 2 submissions from 2 submitters: Pathogenic (1); Likely pathogenic (1). Last evaluated 2026-05-01.

Conditions:
Pseudoxanthoma elasticum, forme fruste. Also called: Pseudoxanthoma Elasticum, Incomplete; PSEUDOXANTHOMA ELASTICUM, HETEROZYGOUS. Identifiers: Orphanet 758, MedGen C1867450, MONDO:0008333, OMIM 177850.
Arterial calcification, generalized, of infancy, 2. Identifiers: Orphanet 51608, MedGen C3276161, MONDO:0013768, OMIM 614473.
Autosomal recessive inherited pseudoxanthoma elasticum (PXE). Identifiers: Orphanet 758, MedGen CN032334, MONDO:0009925, OMIM 264800.

gnomAD v4.1: 1 of 1,614,026 alleles (0.000062%); highest among the groups gnomAD compares: Admixed American, 0.0017%; no homozygotes.

Submissions (2):

CeGaT Center for Human Genetics Tuebingen
Classification: Pathogenic. Last evaluated: 2026-05-01. Review status: criteria provided, single submitter. Criteria: CeGaT Center For Human Genetics Tuebingen Variant Classification Criteria Version 2. Collection method: clinical testing. Allele origin: germline. Affected: yes. Observed: 1 variant allele.
Comment: ABCC6: PVS1, PM2

Fulgent Genetics
Classification: Likely pathogenic for Pseudoxanthoma elasticum, forme fruste; Autosomal recessive inherited pseudoxanthoma elasticum; Arterial calcification, generalized, of infancy, 2. Last evaluated: 2024-05-07. Review status: criteria provided, single submitter. Criteria: ACMG Guidelines, 2015. Collection method: clinical testing. Allele origin: germline.

NM_001171.6(ABCC6):c.3822C>A (p.Tyr1274Ter)

Gene: ABCC6 (ATP binding cassette subfamily C member 6; minus strand). Cytogenetic location: 16p13.11.
Variant type: single nucleotide variant.
Coding change: c.3822C>A on transcript NM_001171.6 (MANE Select); coding-DNA position 3822, C replaced by A.
Protein change: p.Tyr1274Ter; replaces tyrosine 1274 with a stop codon.
Molecular consequence: nonsense. On other transcripts: non-coding transcript variant (1).
Genome position (GRCh38, 1-based): chr16:16,157,723, G>T on the plus strand (C>A on the coding strand, the complement: ABCC6 is on the minus strand). VCF-style: chr16-16157723-G-T. GRCh37 (hg19) VCF-style: chr16-16251580-G-T.
Other names: c.3480C>A, p.Tyr1160Ter (NM_001351800.1); short protein forms Y1274*, Y1160*.
Identifiers: ClinVar variation 3578549 (VCV003578549.3).